The following is an entry in ClinVar:

ClinVar aggregate classification (germline): Likely benign (0 of 4 stars; one submission).

Conditions:
SLC10A1-related disorder. Also called: SLC10A1-related condition.

Submission:

PreventionGenetics, part of Exact Sciences
Classification: Likely benign for SLC10A1-related condition. Last evaluated: 2024-07-01. Review status: no assertion criteria provided. Collection method: clinical testing. Allele origin: germline.
Comment: This variant is classified as likely benign based on ACMG/AMP sequence variant interpretation guidelines (Richards et al. 2015 PMID: 25741868, with internal and published modifications).

NM_003049.4(SLC10A1):c.357-3C>A

Gene: SLC10A1 (solute carrier family 10 member 1; minus strand). Cytogenetic location: 14q24.1.
Variant type: single nucleotide variant.
Coding change: c.357-3C>A on transcript NM_003049.4 (MANE Select); 3 bases into the intron before coding-DNA position 357, C replaced by A.
Molecular consequence: intron variant.
Genome position (GRCh38, 1-based): chr14:69,786,310, G>T on the plus strand (C>A on the coding strand, the complement: SLC10A1 is on the minus strand). VCF-style: chr14-69786310-G-T. GRCh37 (hg19) VCF-style: chr14-70253027-G-T.
Identifiers: ClinVar variation 3353662 (VCV003353662.1).
Genomic context (GRCh38, chr14:69,786,310, plus strand): 5'-CAGGAGGAGAGGCATCATGCCAAGGGCACAGAAGGTGGAGCAGGTGGTCATCACAATGCT[G>T]GTGGGAGACATGGGAAGAGGGGAGAGAGAGAGAGCCCATAAATACAGACTATTTTGTTGA-3'